The following is an entry in ClinVar:

NM_014727.3(KMT2B):c.6628C>T (p.Pro2210Ser)

Gene: KMT2B (lysine methyltransferase 2B; plus strand). Cytogenetic location: 19q13.12.
Variant type: single nucleotide variant.
Coding change: c.6628C>T on transcript NM_014727.3 (MANE Select); coding-DNA position 6628, C replaced by T.
Protein change: p.Pro2210Ser; replaces proline 2210 with serine.
Molecular consequence: missense variant.
Genome position (GRCh38, 1-based): chr19:35,733,177, C>T. VCF-style: chr19-35733177-C-T. GRCh37 (hg19) VCF-style: chr19-36224078-C-T.
Other names: c.6628C>T (NM_014727.1); short protein forms P2210S.
Identifiers: ClinVar variation 1515230 (VCV001515230.38), dbSNP rs373926591, ClinGen allele CA9385730.

ClinVar aggregate classification (germline): Likely benign. Review status: criteria provided, multiple submitters, no conflicts (2 of 4 stars). 4 submissions from 4 submitters: Likely benign (4). Last evaluated 2025-11-28.

Conditions:
Inborn genetic diseases. Identifiers: MedGen C0950123, MeSH D030342.

Allele frequency attached by ClinVar (database versions not stated): ESP Exome Variant Server 0.00008; gnomAD exomes 0.00010 and 0.00017; gnomAD 0.00013 and 0.00015; TOPMed 0.00017; ExAC 0.00023.
gnomAD v4.1: 170 of 1,555,582 alleles (0.011%); highest among the groups gnomAD compares: Middle Eastern, 0.15%; no homozygotes.

Submissions (4):

Labcorp Genetics (formerly Invitae), Labcorp
Classification: Likely benign. Last evaluated: 2025-11-28. Review status: criteria provided, single submitter. Criteria: Invitae Variant Classification Sherloc (09022015). Collection method: clinical testing. Allele origin: germline.

CeGaT Center for Human Genetics Tuebingen
Classification: Likely benign. Last evaluated: 2025-01-01. Review status: criteria provided, single submitter. Criteria: CeGaT Center For Human Genetics Tuebingen Variant Classification Criteria Version 2. Collection method: clinical testing. Allele origin: germline. Affected: yes. Observed: 4 variant alleles.
Comment: KMT2B: BS1

Blueprint Genetics
Classification: Likely benign. Last evaluated: 2024-09-06. Review status: criteria provided, single submitter. Criteria: ACMG Guidelines, 2015. Collection method: clinical testing. Allele origin: germline.

Ambry Genetics
Classification: Likely benign for Inborn genetic diseases. Last evaluated: 2021-07-28. Review status: criteria provided, single submitter. Criteria: Ambry Variant Classification Scheme 2023. Collection method: clinical testing. Allele origin: germline.